The following is an entry in ClinVar:

NM_000053.4(ATP7B):c.36del (p.Ala14fs)

Gene: ATP7B (ATPase copper transporting beta; minus strand). Cytogenetic location: 13q14.3.
Variant type: Deletion.
Coding change: c.36del on transcript NM_000053.4 (MANE Select); coding-DNA position 36, one base deleted (A; older notation c.36delA).
Protein change: p.Ala14fs; shifts the reading frame from alanine 14.
Molecular consequence: frameshift variant.
Genome position (GRCh38, 1-based): chr13:52,011,302, T deleted on the plus strand (A on the coding strand, the reverse complement: ATP7B is on the minus strand); the first of 2 consecutive T bases (chr13:52,011,302-52,011,303); deleting either gives the same sequence. VCF-style (leftmost placement, unchanged base first): chr13-52011301-CT-C. GRCh37 (hg19) VCF-style: chr13-52585437-CT-C.
Other names: c.35delA, p.Ala14Profs (NM_001406514.1, NM_001406515.1, NM_001406516.1 and 26 more transcripts); c.-153delA (NM_001406518.1); c.36del, p.Ala14fs (NM_001005918.3, NM_001243182.2, NM_001330578.2 and 1 more transcripts); c.-95delA (NM_001406539.1, NM_001406543.1); short protein forms A14fs.
Identifiers: ClinVar variation 2023154 (VCV002023154.4), dbSNP rs2547323808, ClinGen allele CA2580087638.

ClinVar aggregate classification (germline): Pathogenic (1 of 4 stars; one submission).

Conditions:
Wilson disease (WND). Also called: Wilson's disease. Identifiers: Orphanet 905, MedGen C0019202, MONDO:0010200, OMIM 277900. Disease mechanism: loss of function.

Submission:

Labcorp Genetics (formerly Invitae), Labcorp
Classification: Pathogenic for Wilson disease. Last evaluated: 2022-08-20. Review status: criteria provided, single submitter. Criteria: Invitae Variant Classification Sherloc (09022015). Collection method: clinical testing. Allele origin: germline.
Comment: This sequence change creates a premature translational stop signal (p.Ala14Profs*20) in the ATP7B gene. It is expected to result in an absent or disrupted protein product. Loss-of-function variants in ATP7B are known to be pathogenic (PMID: 10441329, 16283883). For these reasons, this variant has been classified as Pathogenic. This variant has not been reported in the literature in individuals affected with ATP7B-related conditions. This variant is not present in population databases (gnomAD no frequency).

Literature cited by the submitters: PubMed 10441329; PubMed 16283883.